The following is an entry in ClinVar:

ClinVar aggregate classification (germline): Uncertain significance (1 of 4 stars; one submission).

Submission:

GeneDx
Classification: Uncertain significance. Last evaluated: 2024-04-01. Review status: criteria provided, single submitter. Criteria: GeneDx Variant Classification Process June 2021. Collection method: clinical testing. Allele origin: germline. Affected: yes.
Comment: Not observed at significant frequency in large population cohorts (gnomAD); In silico analysis supports that this missense variant does not alter protein structure/function; In silico analysis is inconclusive as to whether the variant alters gene splicing. In the absence of RNA/functional studies, the actual effect of this sequence change is unknown.; Has not been previously published as pathogenic or benign to our knowledge

NM_001321075.3(DLG4):c.1591G>A (p.Val531Met)

Gene: DLG4 (discs large MAGUK scaffold protein 4; minus strand). Cytogenetic location: 17p13.1.
Variant type: single nucleotide variant.
Coding change: c.1591G>A on transcript NM_001321075.3 (MANE Select); coding-DNA position 1591, G replaced by A.
Protein change: p.Val531Met; replaces valine 531 with methionine.
Molecular consequence: missense variant. On other transcripts: non-coding transcript variant (1).
Genome position (GRCh38, 1-based): chr17:7,193,667, C>T on the plus strand (G>A on the coding strand, the complement: DLG4 is on the minus strand). VCF-style: chr17-7193667-C-T. GRCh37 (hg19) VCF-style: chr17-7096986-C-T.
Other names: c.1582G>A, p.Val528Met (NM_001128827.4); c.1711G>A, p.Val571Met (NM_001321074.1); c.1411G>A, p.Val471Met (NM_001321076.3, NM_001321077.3); c.1720G>A, p.Val574Met (NM_001365.5); c.1510G>A, p.Val504Met (NM_001369566.3); short protein forms V471M, V504M, V528M, V531M, V571M, V574M.
Identifiers: ClinVar variation 3371928 (VCV003371928.1).